The following is an entry in ClinVar:

ClinVar aggregate classification (germline): Uncertain significance (1 of 4 stars; one submission).

Allele frequency attached by ClinVar (database versions not stated): gnomAD exomes 0.00002 and 0.00017; gnomAD 0.00004.

Submission:

Labcorp Genetics (formerly Invitae), Labcorp
Classification: Uncertain significance. Last evaluated: 2022-10-03. Review status: criteria provided, single submitter. Criteria: Invitae Variant Classification Sherloc (09022015). Collection method: clinical testing. Allele origin: germline.
Comment: In summary, the available evidence is currently insufficient to determine the role of this variant in disease. Therefore, it has been classified as a Variant of Uncertain Significance. Variants that disrupt the consensus splice site are a relatively common cause of aberrant splicing (PMID: 17576681, 9536098). Algorithms developed to predict the effect of sequence changes on RNA splicing suggest that this variant may disrupt the consensus splice site. Algorithms developed to predict the effect of missense changes on protein structure and function (SIFT, PolyPhen-2, Align-GVGD) all suggest that this variant is likely to be disruptive. ClinVar contains an entry for this variant (Variation ID: 1018118). This missense change has been observed in individual(s) with clinical features of MSTO1-related disease (Invitae). This variant is present in population databases (no rsID available, gnomAD 0.09%). This sequence change replaces glycine, which is neutral and non-polar, with glutamic acid, which is acidic and polar, at codon 187 of the MSTO1 protein (p.Gly187Glu). This variant also falls at the last nucleotide of exon 6, which is part of the consensus splice site for this exon.

Literature cited by the submitters: PubMed 17576681; PubMed 9536098.

NM_018116.4(MSTO1):c.560G>A (p.Gly187Glu)

Gene: MSTO1 (misato mitochondrial distribution and morphology regulator 1; plus strand). Cytogenetic location: 1q22.
Variant type: single nucleotide variant.
Coding change: c.560G>A on transcript NM_018116.4 (MANE Select); coding-DNA position 560, G replaced by A.
Protein change: p.Gly187Glu; replaces glycine 187 with glutamic acid.
Molecular consequence: missense variant. On other transcripts: 5 prime UTR variant (4), non-coding transcript variant (6).
Genome position (GRCh38, 1-based): chr1:155,611,827, G>A. VCF-style: chr1-155611827-G-A. GRCh37 (hg19) VCF-style: chr1-155581618-G-A.
Other names: c.560G>A, p.Gly187Glu (NM_001256532.1, NM_001256533.1, NM_001350772.1 and 3 more transcripts); c.395G>A, p.Gly132Glu (NM_001350776.1); c.4G>A, p.Gly2Ser (NM_001350777.1, NM_001350778.1, NM_001350779.1); c.26G>A, p.Gly9Glu (NM_001350780.1, NM_001350781.1, NM_001350782.1 and 3 more transcripts); c.-46G>A (NM_001350784.1, NM_001350785.1, NM_001350787.1 and 1 more transcripts); short protein forms G132E, G187E, G2S, G9E.
Identifiers: ClinVar variation 1018118 (VCV001018118.8), dbSNP rs1351785077, ClinGen allele CA342757575.
Genomic context (GRCh38, chr1:155,611,827, plus strand): 5'-TCCTCAGAGTCCATCTCCATCCCCGGAGCATCTGTATGATTCAGAAGTACAACCACGATG[G>A]GTATGGGGACCCCAGAGGCTTTGAGGCAAGAAACATGGGTCCCCACCAATGCAGGATGAG-3'
Protein context (NP_060586.2, residues 177-197): ICMIQKYNHD[Gly187Glu]EAGRLEAFGQ